The following is an entry in ClinVar:

ClinVar aggregate classification (germline): Likely pathogenic (1 of 4 stars; one submission).

Submission:

Labcorp Genetics (formerly Invitae), Labcorp
Classification: Likely pathogenic. Last evaluated: 2025-12-17. Review status: criteria provided, single submitter. Criteria: Invitae Variant Classification Sherloc (09022015). Collection method: clinical testing. Allele origin: germline.
Comment: This sequence change replaces cysteine, which is neutral and slightly polar, with tryptophan, which is neutral and slightly polar, at codon 112 of the UMOD protein (p.Cys112Trp). This variant is not present in population databases (gnomAD no frequency). This missense change has been observed in individual(s) with dominant tubulointerstitial kidney disease (PMID: 35497811). Invitae Evidence Modeling of protein sequence and biophysical properties (such as structural, functional, and spatial information, amino acid conservation, physicochemical variation, residue mobility, and thermodynamic stability) indicates that this missense variant is expected to disrupt UMOD protein function with a positive predictive value of 95%. This variant disrupts the p.Cys112 amino acid residue in UMOD. Other variant(s) that disrupt this residue have been observed in individuals with UMOD-related conditions (PMID: 14569098, 25239792, 33574344, 35497811), which suggests that this may be a clinically significant amino acid residue. In summary, the currently available evidence indicates that the variant is pathogenic, but additional data are needed to prove that conclusively. Therefore, this variant has been classified as Likely Pathogenic.

Literature cited by the submitters: PubMed 35497811; PubMed 14569098; PubMed 25239792; PubMed 33574344.

NM_003361.4(UMOD):c.336C>G (p.Cys112Trp)

Gene: UMOD (uromodulin; minus strand). Cytogenetic location: 16p12.3.
Variant type: single nucleotide variant.
Coding change: c.336C>G on transcript NM_003361.4 (MANE Select); coding-DNA position 336, C replaced by G.
Protein change: p.Cys112Trp; replaces cysteine 112 with tryptophan.
Molecular consequence: missense variant. On other transcripts: non-coding transcript variant (1).
Genome position (GRCh38, 1-based): chr16:20,348,965, G>C on the plus strand (C>G on the coding strand, the complement: UMOD is on the minus strand). VCF-style: chr16-20348965-G-C. GRCh37 (hg19) VCF-style: chr16-20360287-G-C.
Other names: c.336C>G, p.Cys112Trp (NM_001008389.3, NM_001378232.1, NM_001378233.1 and 3 more transcripts); c.435C>G, p.Cys145Trp (NM_001278614.2); short protein forms C112W, C145W.
Identifiers: ClinVar variation 4802918 (VCV004802918.1).
Genomic context (GRCh38, chr16:20,348,965, plus strand): 5'-GCTGCCCACCACATTGACACATGTGGCCAGGGCGTGGCAGTGGCTAAGCCCAGGCTCAGC[G>C]CACTCATCCACGTCTGTGCAGCCGAGACCGGGCGACAGGCGGAAGCCTTCGGGGCAGACG-3'
Protein context (NP_003352.2, residues 102-122): PGLGCTDVDE[Cys112Trp]AEPGLSHCHA